The following is an entry in ClinVar:

ClinVar aggregate classification (germline): Pathogenic. Review status: criteria provided, multiple submitters, no conflicts (2 of 4 stars). 4 submissions from 4 submitters: Pathogenic (4). Last evaluated 2025-09-17.

Conditions:
Hereditary cancer-predisposing syndrome. Also called: Tumor predisposition; Hereditary neoplastic syndrome; Neoplastic Syndromes, Hereditary; Hereditary Cancer Syndrome. Identifiers: Orphanet 140162, MedGen C0027672, MeSH D009386, MONDO:0015356.
Hereditary leiomyomatosis and renal cell cancer. Also called: Multiple cutaneous leiomyomas; MULTIPLE CUTANEOUS AND UTERINE LEIOMYOMATA 1, WITH OR WITHOUT RENAL CELL CARCINOMA; FH tumor predisposition syndrome; LEIOMYOMA, MULTIPLE CUTANEOUS; Reed syndrome; Multiple cutaneous and uterine leiomyomatosis. Identifiers: Orphanet 523, MedGen C1708350, MONDO:0007888, OMIM 150800, HP:0007437. Disease mechanism: loss of function.

Submissions (4):

Myriad Genetics, Inc.
Classification: Pathogenic for Hereditary leiomyomatosis and renal cell cancer. Last evaluated: 2025-09-17. Review status: criteria provided, single submitter. Criteria: Myriad Autosomal Dominant, Autosomal Recessive and X-Linked Classification Criteria (2023). Collection method: clinical testing. Allele origin: unknown.
Comment: This variant is considered pathogenic. This variant creates a termination codon and is predicted to result in premature protein truncation.

Ambry Genetics
Classification: Pathogenic for Hereditary cancer-predisposing syndrome. Last evaluated: 2021-01-13. Review status: criteria provided, single submitter. Criteria: Ambry Variant Classification Scheme 2023. Collection method: clinical testing. Allele origin: germline.
Comment: The p.W500* pathogenic variant (also known as c.1500G>A), located in coding exon 10 of the FH gene, results from a G to A substitution at nucleotide position 1500. This changes the amino acid from a tryptophan to a stop codon within coding exon 10. This alteration occurs at the 3' terminus of theFH gene, is not expected to trigger nonsense-mediated mRNA decay, and only impacts the last 2%/10 amino acids of the protein. However, premature stop codons are typically deleterious in nature and the impacted region is critical for protein function (Ambry internal data). This alteration disrupts normal FH folding and is anticipated to result in a significant decrease in structural stability (Ambry internal data). This alteration has been observed in multiple individuals with a personal and/or family history that is consistent with FH-related disease and segregates with disease in one of these families (Ambry internal data; Gardie B et al. J. Med. Genet., 2011 Apr;48:226-34; Buelow B et al. Am. J. Surg. Pathol., 2016 07;40:982-8). This alteration is also referred to as p.Trp457X (c.1371G>A) in the literature. This variant was not reported in population-based cohorts in the Genome Aggregation Database (gnomAD). Based on the supporting evidence, this alteration is interpreted as a disease-causing mutation.

GeneDx
Classification: Pathogenic. Last evaluated: 2017-12-27. Review status: criteria provided, single submitter. Criteria: GeneDx Variant Classification (06012015). Collection method: clinical testing. Allele origin: germline. Affected: yes.
Comment: This variant is denoted FH c.1500G>A at the cDNA level and p.Trp500Ter (W500X) at the protein level. The substitution creates a nonsense variant, which changes a Tryptophan to a premature stop codon (TGG>TGA), and is predicted to cause loss of normal protein function through protein truncation. Also published as FH c.1371G>A (p.Trp457X) using alternate nomenclature, this variant has been reported in a large family with HLRCC as well as in an individual with a single cutaneous leiomyoma (Gardie 2011, Buelow 2016). In addition, the adjacent nucleotide change resulting in the same nonsense variant c.1499G>A (p.W500X), reported as p.W458X using alternate nomenclature, was identified in the compound heterozygous state with another FH variant in a child with fumarate hydratase deficiency and significantly decreased FH enzyme activity (Coughlin 1998). Based on currently available evidence, we consider FH c.1500G>A to be pathogenic.

Genomic Diagnostic Laboratory, Division of Genomic Diagnostics, Children's Hospital of Philadelphia
Classification: Pathogenic for Hereditary leiomyomatosis and renal cell cancer. Last evaluated: 2017-01-17. Review status: criteria provided, single submitter. Criteria: DGD Variant Analysis Guidelines. Collection method: clinical testing. Allele origin: germline. Affected: yes. Observed: 1 variant allele.
Comment: Clinical Testing

Literature cited by the submitters: PubMed 21398687 (cited by Ambry Genetics); PubMed 26945337 (cited by Ambry Genetics); PubMed 28300276 (cited by Ambry Genetics); PubMed 9635293 (cited by Ambry Genetics).

NM_000143.4(FH):c.1500G>A (p.Trp500Ter)

Gene: FH (fumarate hydratase; minus strand). Cytogenetic location: 1q43.
Variant type: single nucleotide variant.
Coding change: c.1500G>A on transcript NM_000143.4 (MANE Select); coding-DNA position 1500, G replaced by A.
Protein change: p.Trp500Ter; replaces tryptophan 500 with a stop codon.
Molecular consequence: nonsense.
Genome position (GRCh38, 1-based): chr1:241,497,861, C>T on the plus strand (G>A on the coding strand, the complement: FH is on the minus strand). VCF-style: chr1-241497861-C-T. GRCh37 (hg19) VCF-style: chr1-241661161-C-T.
Other names: short protein forms W500*.
Identifiers: ClinVar variation 265151 (VCV000265151.9), dbSNP rs886039368, ClinGen allele CA10588287.
Genomic context (GRCh38, chr1:241,497,861, plus strand): 5'-TTTATTTTCATTATAAATTTATGTAAATCACTTTGGACCCAGCATGTCCTTAGGTTTTAC[C>T]CATTCGTCAAACTGCTCTGCTGTGAGATAGCCAAGTTCGATAGCAGTTTCCTTTAAGGTT-3'